The following is an entry in ClinVar:

NM_019098.5(CNGB3):c.626G>C (p.Ser209Thr)

Gene: CNGB3 (cyclic nucleotide gated channel subunit beta 3; minus strand). Cytogenetic location: 8q21.3.
Variant type: single nucleotide variant.
Coding change: c.626G>C on transcript NM_019098.5 (MANE Select); coding-DNA position 626, G replaced by C.
Protein change: p.Ser209Thr; replaces serine 209 with threonine.
Molecular consequence: missense variant.
Genome position (GRCh38, 1-based): chr8:86,668,036, C>G on the plus strand (G>C on the coding strand, the complement: CNGB3 is on the minus strand). VCF-style: chr8-86668036-C-G. GRCh37 (hg19) VCF-style: chr8-87680264-C-G.
Other names: short protein forms S209T.
Identifiers: ClinVar variation 1502780 (VCV001502780.3), dbSNP rs760149836, ClinGen allele CA4800335.

ClinVar aggregate classification (germline): Uncertain significance (1 of 4 stars; one submission).

Allele frequency attached by ClinVar (database versions not stated): gnomAD exomes below 0.00001 and 0.00002; ExAC 0.00001.
gnomAD v4.1: 7 of 1,614,062 alleles (0.00043%); highest among the groups gnomAD compares: South Asian, 0.0077%; no homozygotes.

Submission:

Labcorp Genetics (formerly Invitae), Labcorp
Classification: Uncertain significance. Last evaluated: 2021-09-23. Review status: criteria provided, single submitter. Criteria: Invitae Variant Classification Sherloc (09022015). Collection method: clinical testing. Allele origin: germline.
Comment: This sequence change replaces serine with threonine at codon 209 of the CNGB3 protein (p.Ser209Thr). The serine residue is highly conserved and there is a small physicochemical difference between serine and threonine. This variant is present in population databases (rs760149836, ExAC 0.006%). This variant has not been reported in the literature in individuals affected with CNGB3-related conditions. Advanced modeling of protein sequence and biophysical properties (such as structural, functional, and spatial information, amino acid conservation, physicochemical variation, residue mobility, and thermodynamic stability) performed at Invitae indicates that this missense variant is not expected to disrupt CNGB3 protein function. In summary, the available evidence is currently insufficient to determine the role of this variant in disease. Therefore, it has been classified as a Variant of Uncertain Significance.